The following is an entry in ClinVar:

ClinVar aggregate classification (germline): Uncertain significance (1 of 4 stars; one submission).

gnomAD v4.1: 22 of 1,610,516 alleles (0.0014%); highest among the groups gnomAD compares: African/African-American, 0.0027%; no homozygotes.

Submission:

CeGaT Center for Human Genetics Tuebingen
Classification: Uncertain significance. Last evaluated: 2026-05-01. Review status: criteria provided, single submitter. Criteria: CeGaT Center For Human Genetics Tuebingen Variant Classification Criteria Version 2. Collection method: clinical testing. Allele origin: germline. Affected: yes. Observed: 1 variant allele.
Comment: ZNF292: PM2:Supporting, BP4

NM_015021.3(ZNF292):c.7945G>A (p.Glu2649Lys)

Gene: ZNF292 (zinc finger protein 292; plus strand). Cytogenetic location: 6q14.3.
Variant type: single nucleotide variant.
Coding change: c.7945G>A on transcript NM_015021.3 (MANE Select); coding-DNA position 7945, G replaced by A.
Protein change: p.Glu2649Lys; replaces glutamic acid 2649 with lysine.
Molecular consequence: missense variant.
Genome position (GRCh38, 1-based): chr6:87,261,574, G>A. VCF-style: chr6-87261574-G-A. GRCh37 (hg19) VCF-style: chr6-87971292-G-A.
Other names: c.7525G>A, p.Glu2509Lys (NM_001351444.2); short protein forms E2509K, E2649K.
Identifiers: ClinVar variation 4872714 (VCV004872714.2).
Genomic context (GRCh38, chr6:87,261,574, plus strand): 5'-AAAAATATTGATAAGACTGCTGTGACTAGTGGAAATCATGTATGTCCTTGTAAAGAAAGC[G>A]AAACGTTTGTACAGTTTGCCAATCCATCACAGCTTCAGTGCAGTGATAATGTAAAAATTG-3'
Protein context (NP_055836.1, residues 2639-2659): GNHVCPCKES[Glu2649Lys]TFVQFANPSQ